The following is an entry in ClinVar:

ClinVar aggregate classification (germline): Uncertain significance (1 of 4 stars; one submission).

Conditions:
Developmental and epileptic encephalopathy, 12 (DEE12). Identifiers: MedGen C3150988, MONDO:0013389, OMIM 613722.

Allele frequency attached by ClinVar (database versions not stated): TOPMed 0.00004.

Submission:

Labcorp Genetics (formerly Invitae), Labcorp
Classification: Uncertain significance for Developmental and epileptic encephalopathy, 12. Last evaluated: 2022-08-09. Review status: criteria provided, single submitter. Criteria: Invitae Variant Classification Sherloc (09022015). Collection method: clinical testing. Allele origin: germline.
Comment: This sequence change replaces asparagine, which is neutral and polar, with histidine, which is basic and polar, at codon 461 of the PNKP protein (p.Asn461His). This variant is present in population databases (rs775762473, gnomAD 0.01%). This variant has not been reported in the literature in individuals affected with PNKP-related conditions. ClinVar contains an entry for this variant (Variation ID: 1036990). Algorithms developed to predict the effect of missense changes on protein structure and function are either unavailable or do not agree on the potential impact of this missense change (SIFT: "Tolerated"; PolyPhen-2: "Probably Damaging"; Align-GVGD: "Class C0"). In summary, the available evidence is currently insufficient to determine the role of this variant in disease. Therefore, it has been classified as a Variant of Uncertain Significance.

NM_007254.4(PNKP):c.1381A>C (p.Asn461His)

Gene: PNKP (polynucleotide kinase 3'-phosphatase; minus strand). Cytogenetic location: 19q13.33.
Variant type: single nucleotide variant.
Coding change: c.1381A>C on transcript NM_007254.4 (MANE Select); coding-DNA position 1381, A replaced by C.
Protein change: p.Asn461His; replaces asparagine 461 with histidine.
Molecular consequence: missense variant.
Genome position (GRCh38, 1-based): chr19:49,861,613, T>G on the plus strand (A>C on the coding strand, the complement: PNKP is on the minus strand). VCF-style: chr19-49861613-T-G. GRCh37 (hg19) VCF-style: chr19-50364870-T-G.
Other names: short protein forms N461H.
Identifiers: ClinVar variation 1036990 (VCV001036990.6), dbSNP rs775762473, ClinGen allele CA9586443.